The following is an entry in ClinVar:

NM_025144.4(ALPK1):c.2994dup (p.Thr999fs)

Gene: ALPK1 (alpha kinase 1; plus strand). Cytogenetic location: 4q25.
Variant type: Duplication.
Coding change: c.2994dup on transcript NM_025144.4 (MANE Select); coding-DNA position 2994, one base duplicated (T; older notation c.2994dupT).
Protein change: p.Thr999fs; shifts the reading frame from threonine 999.
Molecular consequence: frameshift variant.
Genome position (GRCh38, 1-based): chr4:112,432,541, T duplicated. VCF-style (leftmost placement, unchanged base first): chr4-112432540-A-AT. GRCh37 (hg19) VCF-style: chr4-113353696-A-AT.
Other names: c.2994dup, p.Thr999fs (NM_001102406.2); c.2760dup, p.Thr921fs (NM_001253884.2); c.2994dupT (NM_001102406.1); short protein forms T921fs, T999fs.
Identifiers: ClinVar variation 2054162 (VCV002054162.29), dbSNP rs764141692, ClinGen allele CA3047036.

ClinVar aggregate classification (germline): Likely benign. Review status: criteria provided, multiple submitters, no conflicts (2 of 4 stars). 3 submissions from 3 submitters: Likely benign (3). Last evaluated 2026-02-26.

Conditions:
ALPK1-related disorder. Also called: ALPK1-related condition.

Allele frequency attached by ClinVar (database versions not stated): 1000 Genomes Project 30x 0.00016; TOPMed 0.00025; ESP Exome Variant Server 0.00032; gnomAD 0.00036; gnomAD exomes 0.00039; ExAC 0.00058.

Submissions (3):

PreventionGenetics, part of Exact Sciences
Classification: Likely benign for ALPK1-related condition. Last evaluated: 2026-02-26. Review status: criteria provided, single submitter. Criteria: ACMG Guidelines, 2015. Collection method: clinical testing. Allele origin: germline.
Comment: This variant is classified as likely benign based on ACMG/AMP sequence variant interpretation guidelines (Richards et al. 2015 PMID: 25741868, with internal and published modifications).

Labcorp Genetics (formerly Invitae), Labcorp
Classification: Likely benign. Last evaluated: 2026-01-24. Review status: criteria provided, single submitter. Criteria: Invitae Variant Classification Sherloc (09022015). Collection method: clinical testing. Allele origin: germline.

CeGaT Center for Human Genetics Tuebingen
Classification: Likely benign. Last evaluated: 2023-10-01. Review status: criteria provided, single submitter. Criteria: CeGaT Center For Human Genetics Tuebingen Variant Classification Criteria Version 2. Collection method: clinical testing. Allele origin: germline. Affected: yes. Observed: 2 variant alleles.
Comment: ALPK1: BS2